The following is an entry in ClinVar:

ClinVar aggregate classification (germline): Conflicting classifications of pathogenicity. Review status: criteria provided, conflicting classifications (1 of 4 stars). 8 submissions from 8 submitters: Uncertain significance (1); Likely benign (5). 2 of the submissions do not count toward it. Last evaluated 2025-07-23.

Conditions:
DHCR7-related disorder. Also called: DHCR7-related condition.
Inborn genetic diseases. Identifiers: MedGen C0950123, MeSH D030342.
Smith-Lemli-Opitz syndrome (SLOS). Also called: LETHAL ACRODYSGENITAL SYNDROME; 7-Dehydrocholesterol reductase deficiency; POLYDACTYLY, SEX REVERSAL, RENAL HYPOPLASIA, AND UNILOBAR LUNG; RSH SYNDROME; RUTLEDGE LETHAL MULTIPLE CONGENITAL ANOMALY SYNDROME. Identifiers: Orphanet 818, MedGen C0175694, MONDO:0010035, OMIM 270400.

Allele frequency attached by ClinVar (database versions not stated): 1000 Genomes Project 30x 0.00141; ESP Exome Variant Server 0.00146; 1000 Genomes Project 0.00120; TOPMed 0.00120; gnomAD 0.00129.
gnomAD v4.1: 353 of 1,612,838 alleles (0.022%); highest among the groups gnomAD compares: African/African-American, 0.36%; 2 homozygotes.

Submissions (8):

Labcorp Genetics (formerly Invitae), Labcorp
Classification: Likely benign for Smith-Lemli-Opitz syndrome. Last evaluated: 2025-07-23. Review status: criteria provided, single submitter. Criteria: Invitae Variant Classification Sherloc (09022015). Collection method: clinical testing. Allele origin: germline.

Fulgent Genetics
Classification: Likely benign for Smith-Lemli-Opitz syndrome. Last evaluated: 2021-10-06. Review status: criteria provided, single submitter. Criteria: ACMG Guidelines, 2015. Collection method: clinical testing. Allele origin: unknown.

Genetic Services Laboratory, University of Chicago
Classification: Likely benign. Last evaluated: 2021-07-26. Review status: criteria provided, single submitter. Criteria: ACMG Guidelines, 2015. Collection method: clinical testing. Allele origin: germline. Affected: no.

GeneDx
Classification: Likely benign. Last evaluated: 2021-06-18. Review status: criteria provided, single submitter. Criteria: GeneDx Variant Classification Process June 2021. Collection method: clinical testing. Allele origin: germline. Affected: yes.
Comment: This variant is associated with the following publications: (PMID: 31981491, 15965973)

Ambry Genetics
Classification: Uncertain significance for Inborn genetic diseases. Last evaluated: 2019-06-18. Review status: criteria provided, single submitter. Criteria: Ambry Variant Classification Scheme 2023. Collection method: clinical testing. Allele origin: germline.
Comment: The p.G70S variant (also known as c.208G>A), located in coding exon 2 of the DHCR7 gene, results from a G to A substitution at nucleotide position 208. The glycine at codon 70 is replaced by serine, an amino acid with similar properties. This variant has been reported in exome cohorts; however, clinical details were not provided (Cross JL et al. Clin. Genet., 2015 Jun;87:570-5). This amino acid position is poorly conserved in available vertebrate species. In addition, the in silico prediction for this alteration is inconclusive. Since supporting evidence is limited at this time, the clinical significance of this alteration remains unclear.

Eurofins Ntd Llc (ga)
Classification: Likely benign. Last evaluated: 2016-07-28. Review status: criteria provided, single submitter. Criteria: EGL Classification Definitions 2015. Collection method: clinical testing. Allele origin: germline. Observed: 3 variant alleles, 3 heterozygotes.

PreventionGenetics, part of Exact Sciences
Classification: Likely benign for DHCR7-related condition. Last evaluated: 2022-07-05. Review status: no assertion criteria provided. Collection method: clinical testing. Allele origin: germline. Not counted in ClinVar's aggregate classification.
Comment: This variant is classified as likely benign based on ACMG/AMP sequence variant interpretation guidelines (Richards et al. 2015 PMID: 25741868, with internal and published modifications).

Natera, Inc.
Classification: Likely benign for Smith-Lemli-Opitz syndrome. Last evaluated: 2017-11-13. Review status: no assertion criteria provided. Collection method: clinical testing. Allele origin: germline. Not counted in ClinVar's aggregate classification.

Literature cited by the submitters: PubMed 24813812 (cited by Ambry Genetics).

NM_001360.3(DHCR7):c.208G>A (p.Gly70Ser)

Gene: DHCR7 (7-dehydrocholesterol reductase; minus strand). Cytogenetic location: 11q13.4.
Variant type: single nucleotide variant.
Coding change: c.208G>A on transcript NM_001360.3 (MANE Select); coding-DNA position 208, G replaced by A.
Protein change: p.Gly70Ser; replaces glycine 70 with serine.
Molecular consequence: missense variant.
Genome position (GRCh38, 1-based): chr11:71,444,106, C>T on the plus strand (G>A on the coding strand, the complement: DHCR7 is on the minus strand). VCF-style: chr11-71444106-C-T. GRCh37 (hg19) VCF-style: chr11-71155152-C-T.
Other names: c.208G>A, p.Gly70Ser (NM_001163817.2); short protein forms G70S.
Identifiers: ClinVar variation 166989 (VCV000166989.33), dbSNP rs144512551, ClinGen allele CA233887.